The following is an entry in ClinVar:

NM_000077.5(CDKN2A):c.404G>T (p.Gly135Val)

Gene: CDKN2A (cyclin dependent kinase inhibitor 2A; minus strand). Cytogenetic location: 9p21.3.
Variant type: single nucleotide variant.
Coding change: c.404G>T on transcript NM_000077.5; coding-DNA position 404, G replaced by T.
Protein change: p.Gly135Val; replaces glycine 135 with valine.
Molecular consequence: missense variant (on NM_000077.6). On other transcripts: 3 prime UTR variant (2).
Genome position (GRCh38, 1-based): chr9:21,970,955, C>A on the plus strand (G>T on the coding strand, the complement: CDKN2A is on the minus strand). VCF-style: chr9-21970955-C-A. GRCh37 (hg19) VCF-style: chr9-21970954-C-A.
Other names: c.404G>T, p.Gly135Val (NM_000077.6, NM_001195132.2); c.251G>T, p.Gly84Val (NM_001363763.2); c.*48G>T (NM_058195.4); c.*327G>T (NM_058197.5); short protein forms G135V, G84V.
Identifiers: ClinVar variation 843913 (VCV000843913.18), dbSNP rs1182554152, ClinGen allele CA373085903.
Genomic context (GRCh38, chr9:21,970,955, plus strand): 5'-TCCTCACCTGAGGGACCTTCCGCGGCATCTATGCGGGCATGGTTACTGCCTCTGGTGCCC[C>A]CCGCAGCCGCGCGCAGGTACCGTGCGACATCGCGATGGCCCAGCTCCTCAGCCAGGTCCA-3'
Protein context (NP_000068.1, residues 125-145): DVARYLRAAA[Gly135Val]GTRGSNHARI

ClinVar aggregate classification (germline): Uncertain significance. Review status: criteria provided, multiple submitters, no conflicts (2 of 4 stars). 4 submissions from 4 submitters: Uncertain significance (4). Last evaluated 2025-04-28.

Conditions:
Familial melanoma. Also called: Hereditary melanoma; Hereditary cutaneous melanoma. Identifiers: Orphanet 618, MedGen C1512419, MONDO:0018961.
Melanoma and neural system tumor syndrome. Also called: MELANOMA-ASTROCYTOMA SYNDROME. Identifiers: Orphanet 252206, MedGen C1835042, MONDO:0007967, OMIM 155755.
Hereditary cancer-predisposing syndrome. Also called: Hereditary Cancer Syndrome; Neoplastic Syndromes, Hereditary; Hereditary neoplastic syndrome; Tumor predisposition. Identifiers: Orphanet 140162, MedGen C0027672, MeSH D009386, MONDO:0015356.

gnomAD v4.1: 1 of 1,612,044 alleles (0.000062%); highest among the groups gnomAD compares: Non-Finnish European, 0.000085%; no homozygotes.

Submissions (4):

Labcorp Genetics (formerly Invitae), Labcorp
Classification: Uncertain significance for Familial melanoma. Last evaluated: 2025-04-28. Review status: criteria provided, single submitter. Criteria: Invitae Variant Classification Sherloc (09022015). Collection method: clinical testing. Allele origin: germline.
Comment: This sequence change replaces glycine, which is neutral and non-polar, with valine, which is neutral and non-polar, at codon 135 of the CDKN2A (p16INK4a) protein (p.Gly135Val). This variant is not present in population databases (gnomAD no frequency). This variant has not been reported in the literature in individuals affected with CDKN2A (p16INK4a)-related conditions. ClinVar contains an entry for this variant (Variation ID: 843913). An algorithm developed to predict the effect of missense changes on protein structure and function (PolyPhen-2) suggests that this variant is likely to be disruptive. In summary, the available evidence is currently insufficient to determine the role of this variant in disease. Therefore, it has been classified as a Variant of Uncertain Significance.

Ambry Genetics
Classification: Uncertain significance for Hereditary cancer-predisposing syndrome. Last evaluated: 2025-01-11. Review status: criteria provided, single submitter. Criteria: Ambry Variant Classification Scheme 2023. Collection method: clinical testing. Allele origin: germline.
Comment: The p.G135V variant (also known as c.404G>T), located in coding exon 2 of the CDKN2A gene, results from a G to T substitution at nucleotide position 404. The glycine at codon 135 is replaced by valine, an amino acid with dissimilar properties. Of note, this alteration is also known as c.*48G>T in the p14(ARF) isoform. This amino acid position is not well conserved in available vertebrate species. In addition, the in silico prediction for this alteration is inconclusive. Based on the available evidence, the clinical significance of this variant remains unclear.

Color Diagnostics, LLC DBA Color Health
Classification: Uncertain significance for Hereditary cancer-predisposing syndrome. Last evaluated: 2024-09-23. Review status: criteria provided, single submitter. Criteria: ACMG Guidelines, 2015. Collection method: clinical testing. Allele origin: germline.
Comment: The CDKN2A locus encodes two different gene products, p16INK4a and p14ARF. Computational prediction suggests that this variant may not impact protein structure and function. To our knowledge, functional studies have not been reported for this variant. This variant has not been reported in individuals affected with hereditary cancer in the literature. This variant has not been identified in the general population by the Genome Aggregation Database (gnomAD). The available evidence is insufficient to determine the role of this variant in disease conclusively. Therefore, this variant is classified as a Variant of Uncertain Significance.

Baylor Genetics
Classification: Uncertain significance for Melanoma and neural system tumor syndrome. Last evaluated: 2023-12-19. Review status: criteria provided, single submitter. Criteria: ACMG Guidelines, 2015. Collection method: clinical testing. Allele origin: unknown.